The following is an entry in ClinVar:

NM_206933.4(USH2A):c.11740G>A (p.Val3914Ile)

Gene: USH2A (usherin; minus strand). Cytogenetic location: 1q41.
Variant type: single nucleotide variant.
Coding change: c.11740G>A on transcript NM_206933.4 (MANE Select); coding-DNA position 11740, G replaced by A.
Protein change: p.Val3914Ile; replaces valine 3914 with isoleucine.
Molecular consequence: missense variant.
Genome position (GRCh38, 1-based): chr1:215,728,356, C>T on the plus strand (G>A on the coding strand, the complement: USH2A is on the minus strand). VCF-style: chr1-215728356-C-T. GRCh37 (hg19) VCF-style: chr1-215901698-C-T.
Other names: short protein forms V3914I.
Identifiers: ClinVar variation 505157 (VCV000505157.11), dbSNP rs1401744202, ClinGen allele CA344829769.
Genomic context (GRCh38, chr1:215,728,356, plus strand): 5'-GCCTCAGGGTGTCTCCTTCATCCATAAATTCAAGGGCTCCTTCTGACCAGACAAATAAAA[C>T]AGACTCCTCTTCAATGCCAGCAGGGCGTCTGAAAGGAAACCAAGCAGGCAACCAGTGACA-3'
Protein context (NP_996816.3, residues 3904-3924): RRPAGIEEES[Val3914Ile]LFVWSEGALE

ClinVar aggregate classification (germline): Uncertain significance. Review status: criteria provided, multiple submitters, no conflicts (2 of 4 stars). 4 submissions from 3 submitters: Uncertain significance (4). Last evaluated 2023-11-04.

Conditions:
Retinitis pigmentosa 39 (RP39). Identifiers: Orphanet 791, MedGen C3151138, MONDO:0013436, OMIM 613809.
Usher syndrome type 2A. Also called: USHER SYNDROME, TYPE IIA; RETINAL DISEASE IN USHER SYNDROME TYPE IIA, MODIFIER OF. Identifiers: Orphanet 231178, Orphanet 886, MedGen C1848634, MONDO:0010169, OMIM 276901.

Allele frequency attached by ClinVar (database versions not stated): TOPMed below 0.00001; gnomAD 0.00001; gnomAD exomes 0.00001.
gnomAD v4.1: 13 of 1,614,074 alleles (0.00081%); highest among the groups gnomAD compares: Non-Finnish European, 0.001%; no homozygotes.

Submissions (4):

Genome-Nilou Lab
Classification: Uncertain significance for Retinitis pigmentosa 39. Last evaluated: 2023-11-04. Review status: criteria provided, single submitter. Criteria: ACMG Guidelines, 2015. Collection method: clinical testing. Allele origin: germline. Affected: no.

Genome-Nilou Lab
Classification: Uncertain significance for Usher syndrome type 2A. Last evaluated: 2023-11-04. Review status: criteria provided, single submitter. Criteria: ACMG Guidelines, 2015. Collection method: clinical testing. Allele origin: germline. Affected: no.

Labcorp Genetics (formerly Invitae), Labcorp
Classification: Uncertain significance. Last evaluated: 2022-07-26. Review status: criteria provided, single submitter. Criteria: Invitae Variant Classification Sherloc (09022015). Collection method: clinical testing. Allele origin: germline.
Comment: This sequence change replaces valine, which is neutral and non-polar, with isoleucine, which is neutral and non-polar, at codon 3914 of the USH2A protein (p.Val3914Ile). This variant is not present in population databases (gnomAD no frequency). This variant has not been reported in the literature in individuals affected with USH2A-related conditions. ClinVar contains an entry for this variant (Variation ID: 505157). Algorithms developed to predict the effect of missense changes on protein structure and function (SIFT, PolyPhen-2, Align-GVGD) all suggest that this variant is likely to be tolerated. In summary, the available evidence is currently insufficient to determine the role of this variant in disease. Therefore, it has been classified as a Variant of Uncertain Significance.

Laboratory for Molecular Medicine, Mass General Brigham Personalized Medicine
Classification: Uncertain significance. Last evaluated: 2016-06-30. Review status: criteria provided, single submitter. Criteria: LMM Criteria. Collection method: clinical testing. Allele origin: germline. Observed: 1 variant allele.
Comment: The p.Val3914Ile variant in USH2A has not been previously reported in individual s with hearing loss or in large population studies. Computational prediction too ls and conservation analyses suggest that this variant may not impact the protei n, though this information is not predictive enough to rule out pathogenicity. I n summary, the clinical significance of the p.Val3914Ile variant is uncertain.